The following is an entry in ClinVar:

NM_000059.4(BRCA2):c.7888A>C (p.Lys2630Gln)

Gene: BRCA2 (BRCA2 DNA repair associated; plus strand). Cytogenetic location: 13q13.1.
Variant type: single nucleotide variant.
Coding change: c.7888A>C on transcript NM_000059.4 (MANE Select); coding-DNA position 7888, A replaced by C.
Protein change: p.Lys2630Gln; replaces lysine 2630 with glutamine.
Molecular consequence: missense variant.
Genome position (GRCh38, 1-based): chr13:32,362,605, A>C. VCF-style: chr13-32362605-A-C. GRCh37 (hg19) VCF-style: chr13-32936742-A-C.
Other names: short protein forms K2630Q.
Identifiers: ClinVar variation 995948 (VCV000995948.2), dbSNP rs1380792392, ClinGen allele CA387747122.
Genomic context (GRCh38, chr13:32,362,605, plus strand): 5'-GTGGATCCAAAGCTTATTTCTAGAATTTGGGTTTATAATCACTATAGATGGATCATATGG[A>C]AACTGGCAGCTATGGAATGTGCCTTTCCTAAGGAATTTGCTAATAGATGCCTAAGCCCAG-3'
Protein context (NP_000050.3, residues 2620-2640): VYNHYRWIIW[Lys2630Gln]LAAMECAFPK

ClinVar aggregate classification (germline): Likely pathogenic. Review status: criteria provided, multiple submitters, no conflicts (2 of 4 stars). 2 submissions from 2 submitters: Likely pathogenic (2). Last evaluated 2026-01-08.

Conditions:
Hereditary breast ovarian cancer syndrome. Also called: Hereditary breast and ovarian cancer; Breast and ovarian cancer; BRCA1- and BRCA2-Associated Hereditary Breast and Ovarian Cancer; Hereditary breast and ovarian cancer syndrome (HBOC); Hereditary breast and/or ovarian cancer syndrome; Hereditary breast and ovarian cancer syndrome. Identifiers: Orphanet 145, MedGen C0677776, MeSH D061325, MONDO:0003582. Disease mechanism: loss of function.
Hereditary cancer-predisposing syndrome. Also called: Tumor predisposition; Hereditary neoplastic syndrome; Hereditary Cancer Syndrome; Neoplastic Syndromes, Hereditary. Identifiers: Orphanet 140162, MedGen C0027672, MeSH D009386, MONDO:0015356.

Submissions (2):

Ambry Genetics
Classification: Likely pathogenic for Hereditary cancer-predisposing syndrome. Last evaluated: 2026-01-08. Review status: criteria provided, single submitter. Criteria: Ambry Variant Classification Scheme 2023. Collection method: clinical testing. Allele origin: germline.
Comment: The p.K2630Q variant (also known as c.7888A>C), located in coding exon 16 of the BRCA2 gene, results from an A to C substitution at nucleotide position 7888. The lysine at codon 2630 is replaced by glutamine, an amino acid with similar properties. Two saturation genome editing-based studies, including a haploid cell-survival assay and a humanized mouse embryonic stem cell line assay of drug response and survival, demonstrate that this nucleotide substitution is non-functional (Huang H et al. Nature. 2025 Feb;638(8050):528-537; Sahu S et al. Nature. 2025 Feb;638(8050):538-545). This variant was non-functional in a homology-directed DNA repair (HDR) assay (Richardson, ME et al. Am J Hum Genet. 2021 Mar;108(3):458-468). Based on internal structural analysis, this variant is anticipated to disrupt a region of known function (Bhatia V, et al. Nature 2014 Jul;511(7509):362-5) This amino acid position is highly conserved in available vertebrate species. This variant is considered to be rare based on population cohorts in the Genome Aggregation Database (gnomAD). In addition, this alteration is predicted to be deleterious by in silico analysis. Based on the majority of available evidence to date, this variant is likely to be pathogenic.

Cancer Variant Interpretation Group UK, Institute of Cancer Research, London
Classification: Likely pathogenic for Hereditary Breast and Ovarian Cancer. Last evaluated: 2018-11-23. Review status: criteria provided, single submitter. Criteria: ACMG Guidelines, 2015. Collection method: curation. Allele origin: germline.
Comment: Data used in classification: The frequency of this variant is 0/138,632 individuals (tgnomAD) (PM2_mod). This variant is predicted deleterious on AlignGVGD (class: C45), SIFT (Deleterious), Polyphen2 HumVar (probably damaging) and CADD (27.5) (PP3_sup). The variant is in the DNA-binding domain of BRCA2 (PM1_sup). In the VarCall Bayesian statistical model for VUS classification using functional assay data (Guidugli et al Am J Hum Genet 2018; 102:233-248, Couch Lab), the variant has a probability of being deleterious of 0.972 and an overall classification of pathogenic. (PS3_strong). Data not used in classification: There are no reports of this variant in ClinVar, BIC or BRCA2 LOVD.

Literature cited by the submitters: PubMed 24896180 (cited by Ambry Genetics); PubMed 33609447 (cited by Ambry Genetics); PubMed 29394989 (cited by Cancer Variant Interpretation Group UK, Institute of Cancer Research, London).